The following is an entry in ClinVar:

ClinVar aggregate classification (germline): Uncertain significance. Review status: criteria provided, multiple submitters, no conflicts (2 of 4 stars). 3 submissions from 3 submitters: Uncertain significance (3). Last evaluated 2025-05-23.

Conditions:
Hereditary cancer-predisposing syndrome. Also called: Tumor predisposition; Hereditary neoplastic syndrome; Neoplastic Syndromes, Hereditary; Hereditary Cancer Syndrome. Identifiers: Orphanet 140162, MedGen C0027672, MeSH D009386, MONDO:0015356.
Gastrointestinal stromal tumor. Also called: Gastrointestinal stroma tumor; Gastrointestinal stromal tumor, somatic. Identifiers: Orphanet 44890, MedGen C0238198, MeSH D046152, MONDO:0011719, OMIM 606764, HP:0100723.

Allele frequency attached by ClinVar (database versions not stated): gnomAD exomes below 0.00001; TOPMed below 0.00001.
gnomAD v4.1: 2 of 1,613,930 alleles (0.00012%); highest among the groups gnomAD compares: Non-Finnish European, 0.00017%; no homozygotes.

Submissions (3):

Ambry Genetics
Classification: Uncertain significance for Hereditary cancer-predisposing syndrome. Last evaluated: 2025-05-23. Review status: criteria provided, single submitter. Criteria: Ambry Variant Classification Scheme 2023. Collection method: clinical testing. Allele origin: germline.

Labcorp Genetics (formerly Invitae), Labcorp
Classification: Uncertain significance for Gastrointestinal stromal tumor. Last evaluated: 2025-05-05. Review status: criteria provided, single submitter. Criteria: Invitae Variant Classification Sherloc (09022015). Collection method: clinical testing. Allele origin: germline.
Comment: This sequence change replaces asparagine, which is neutral and polar, with serine, which is neutral and polar, at codon 567 of the KIT protein (p.Asn567Ser). This variant is not present in population databases (gnomAD no frequency). This variant has not been reported in the literature in individuals affected with KIT-related conditions. ClinVar contains an entry for this variant (Variation ID: 458888). An algorithm developed to predict the effect of missense changes on protein structure and function (PolyPhen-2) suggests that this variant is likely to be tolerated. In summary, the available evidence is currently insufficient to determine the role of this variant in disease. Therefore, it has been classified as a Variant of Uncertain Significance.

Sema4
Classification: Uncertain significance for Hereditary cancer-predisposing syndrome. Last evaluated: 2021-06-28. Review status: criteria provided, single submitter. Criteria: Sema4 Curation Guidelines. Collection method: curation. Allele origin: germline.
Comment: The KIT c.1700A>G (p.N567S) variant has not been reported in the literature to our knowledge. It was not observed in the Genome Aggregation Database (PMID: 32461654). The variant has been reported in ClinVar (Variation ID: 458888). In silico tools suggest the impact of the variant on protein function is inconclusive, though these predictions have not been confirmed by functional studies. The evidence is insufficient to meet ACMG/AMP criteria for classifying the variant as benign or pathogenic. Thus, the clinical significance of this variant is currently uncertain.

NM_000222.3(KIT):c.1700A>G (p.Asn567Ser)

Gene: KIT (KIT proto-oncogene, receptor tyrosine kinase; plus strand). Cytogenetic location: 4q12.
Variant type: single nucleotide variant.
Coding change: c.1700A>G on transcript NM_000222.3 (MANE Select); coding-DNA position 1700, A replaced by G.
Protein change: p.Asn567Ser; replaces asparagine 567 with serine.
Molecular consequence: missense variant.
Genome position (GRCh38, 1-based): chr4:54,727,468, A>G. VCF-style: chr4-54727468-A-G. GRCh37 (hg19) VCF-style: chr4-55593634-A-G.
Other names: c.1688A>G, p.Asn563Ser (NM_001093772.2, NM_001385286.1); c.1703A>G, p.Asn568Ser (NM_001385284.1, NM_001385290.1); c.1700A>G, p.Asn567Ser (NM_001385285.1); c.1691A>G, p.Asn564Ser (NM_001385288.1, NM_001385292.1); short protein forms N567S, N563S, N564S, N568S.
Identifiers: ClinVar variation 458888 (VCV000458888.14), dbSNP rs1016976398, ClinGen allele CA96875766.